The following is an entry in ClinVar:

ClinVar aggregate classification (germline): Benign/Likely benign. Review status: criteria provided, multiple submitters, no conflicts (2 of 4 stars). 2 submissions from 2 submitters: Benign (1); Likely benign (1). Last evaluated 2024-08-01.

Conditions:
Hereditary cancer-predisposing syndrome. Also called: Neoplastic Syndromes, Hereditary; Hereditary Cancer Syndrome; Hereditary neoplastic syndrome; Tumor predisposition. Identifiers: Orphanet 140162, MedGen C0027672, MeSH D009386, MONDO:0015356.
Juvenile polyposis syndrome (JPS). Identifiers: Orphanet 2929, MedGen C0345893, MONDO:0017380, OMIM 174900.

Submissions (2):

Myriad Genetics, Inc.
Classification: Benign for Juvenile polyposis syndrome. Last evaluated: 2024-08-01. Review status: criteria provided, single submitter. Criteria: Myriad Autosomal Dominant, Autosomal Recessive and X-Linked Classification Criteria (2023). Collection method: clinical testing. Allele origin: unknown.
Comment: This variant is considered benign. This variant is a silent/synonymous amino acid change and it is not expected to impact splicing.

Ambry Genetics
Classification: Likely benign for Hereditary cancer-predisposing syndrome. Last evaluated: 2018-01-04. Review status: criteria provided, single submitter. Criteria: Ambry Variant Classification Scheme 2023. Collection method: clinical testing. Allele origin: germline.

NM_004329.3(BMPR1A):c.441T>C (p.Phe147=)

Gene: BMPR1A (bone morphogenetic protein receptor type 1A; plus strand). Cytogenetic location: 10q23.2.
Variant type: single nucleotide variant.
Coding change: c.441T>C on transcript NM_004329.3 (MANE Select); coding-DNA position 441, T replaced by C.
Protein change: p.Phe147=; no amino-acid change (phenylalanine 147 retained).
Molecular consequence: synonymous variant.
Genome position (GRCh38, 1-based): chr10:86,900,037, T>C. VCF-style: chr10-86900037-T-C. GRCh37 (hg19) VCF-style: chr10-88659794-T-C.
Identifiers: ClinVar variation 824879 (VCV000824879.5), dbSNP rs1589768190, ClinGen allele CA470306984.